The following is an entry in ClinVar:

ClinVar aggregate classification (germline): Uncertain significance. Review status: criteria provided, multiple submitters, no conflicts (2 of 4 stars). 2 submissions from 2 submitters: Uncertain significance (2). Last evaluated 2025-02-14.

Submissions (2):

GeneDx
Classification: Uncertain significance. Last evaluated: 2025-02-14. Review status: criteria provided, single submitter. Criteria: GeneDx Variant Classification Process June 2021. Collection method: clinical testing. Allele origin: germline. Affected: yes.
Comment: Not observed at significant frequency in large population cohorts (gnomAD); In silico analysis indicates that this missense variant does not alter protein structure/function; Has not been previously published as pathogenic or benign to our knowledge

Blueprint Genetics
Classification: Uncertain significance. Last evaluated: 2023-09-12. Review status: criteria provided, single submitter. Criteria: ACMG Guidelines, 2015. Collection method: clinical testing. Allele origin: germline.

NM_001020658.2(PUM1):c.1042G>A (p.Asp348Asn)

Gene: PUM1 (pumilio RNA binding family member 1; minus strand). Cytogenetic location: 1p35.2.
Variant type: single nucleotide variant.
Coding change: c.1042G>A on transcript NM_001020658.2 (MANE Select); coding-DNA position 1042, G replaced by A.
Protein change: p.Asp348Asn; replaces aspartic acid 348 with asparagine.
Molecular consequence: missense variant.
Genome position (GRCh38, 1-based): chr1:30,992,506, C>T on the plus strand (G>A on the coding strand, the complement: PUM1 is on the minus strand). VCF-style: chr1-30992506-C-T. GRCh37 (hg19) VCF-style: chr1-31465353-C-T.
Other names: c.1042G>A, p.Asp348Asn (NM_014676.3); short protein forms D348N.
Identifiers: ClinVar variation 4076726 (VCV004076726.2).